The following is an entry in ClinVar:

NM_007194.4(CHEK2):c.353del (p.Asp118fs)

Gene: CHEK2 (checkpoint kinase 2; minus strand). Cytogenetic location: 22q12.1.
Variant type: Deletion.
Coding change: c.353del on transcript NM_007194.4 (MANE Select); coding-DNA position 353, one base deleted (A; older notation c.353delA).
Protein change: p.Asp118fs; shifts the reading frame from aspartic acid 118.
Molecular consequence: frameshift variant.
Genome position (GRCh38, 1-based): chr22:28,725,334, T deleted on the plus strand (A on the coding strand, the reverse complement: CHEK2 is on the minus strand). VCF-style (leftmost placement, unchanged base first): chr22-28725333-GT-G. GRCh37 (hg19) VCF-style: chr22-29121321-GT-G.
Other names: c.482delA, p.Asp161Alafs (NM_001005735.3); c.-425delA (NM_001257387.3); c.353delA, p.Asp118Alafs (NM_001349956.3, NM_145862.3); short protein forms D118fs, D161fs.
Identifiers: ClinVar variation 1732449 (VCV001732449.7), dbSNP rs2518060669, ClinGen allele CA2580099532.

ClinVar aggregate classification (germline): Pathogenic. Review status: criteria provided, multiple submitters, no conflicts (2 of 4 stars). 2 submissions from 2 submitters: Pathogenic (2). Last evaluated 2025-08-03.

Conditions:
Hereditary cancer-predisposing syndrome. Also called: Neoplastic Syndromes, Hereditary; Tumor predisposition; Hereditary Cancer Syndrome; Hereditary neoplastic syndrome. Identifiers: Orphanet 140162, MedGen C0027672, MeSH D009386, MONDO:0015356.
Familial cancer of breast. Also called: BREAST CANCER, FAMILIAL; Hereditary breast cancer; hereditary breast carcinoma. Identifiers: Orphanet 227535, MedGen C0346153, MONDO:0016419, OMIM 114480. Disease mechanism: loss of function.

Submissions (2):

Labcorp Genetics (formerly Invitae), Labcorp
Classification: Pathogenic for Familial cancer of breast. Last evaluated: 2025-08-03. Review status: criteria provided, single submitter. Criteria: Invitae Variant Classification Sherloc (09022015). Collection method: clinical testing. Allele origin: germline.
Comment: This sequence change creates a premature translational stop signal (p.Asp118Alafs*13) in the CHEK2 gene. It is expected to result in an absent or disrupted protein product. Loss-of-function variants in CHEK2 are known to be pathogenic (PMID: 21876083, 24713400). This variant is not present in population databases (gnomAD no frequency). This variant has not been reported in the literature in individuals affected with CHEK2-related conditions. ClinVar contains an entry for this variant (Variation ID: 1732449). For these reasons, this variant has been classified as Pathogenic.

Ambry Genetics
Classification: Pathogenic for Hereditary cancer-predisposing syndrome. Last evaluated: 2021-04-22. Review status: criteria provided, single submitter. Criteria: Ambry Variant Classification Scheme 2023. Collection method: clinical testing. Allele origin: germline.
Comment: The c.353delA pathogenic mutation, located in coding exon 2 of the CHEK2 gene, results from a deletion of one nucleotide at nucleotide position 353, causing a translational frameshift with a predicted alternate stop codon (p.D118Afs*13). This alteration is expected to result in loss of function by premature protein truncation or nonsense-mediated mRNA decay. As such, this alteration is interpreted as a disease-causing mutation.

Literature cited by the submitters: PubMed 21876083 (cited by Labcorp Genetics (formerly Invitae), Labcorp); PubMed 24713400 (cited by Labcorp Genetics (formerly Invitae), Labcorp).